The following is an entry in ClinVar:

NM_005732.4(RAD50):c.2150C>T (p.Ser717Leu)

Gene: RAD50 (RAD50 double strand break repair protein; plus strand). Cytogenetic location: 5q31.1.
Variant type: single nucleotide variant.
Coding change: c.2150C>T on transcript NM_005732.4 (MANE Select); coding-DNA position 2150, C replaced by T.
Protein change: p.Ser717Leu; replaces serine 717 with leucine.
Molecular consequence: missense variant.
Genome position (GRCh38, 1-based): chr5:132,595,753, C>T. VCF-style: chr5-132595753-C-T. GRCh37 (hg19) VCF-style: chr5-131931445-C-T.
Other names: short protein forms S717L.
Identifiers: ClinVar variation 2586257 (VCV002586257.2), dbSNP rs2149844204, ClinGen allele CA360950469.

ClinVar aggregate classification (germline): Uncertain significance (1 of 4 stars; one submission).

Conditions:
Hereditary cancer-predisposing syndrome. Also called: Hereditary neoplastic syndrome; Tumor predisposition; Hereditary Cancer Syndrome; Neoplastic Syndromes, Hereditary. Identifiers: Orphanet 140162, MedGen C0027672, MeSH D009386, MONDO:0015356.

Submission:

Ambry Genetics
Classification: Uncertain significance for Hereditary cancer-predisposing syndrome. Last evaluated: 2023-09-14. Review status: criteria provided, single submitter. Criteria: Ambry Variant Classification Scheme 2023. Collection method: clinical testing. Allele origin: germline.
Comment: The p.S717L variant (also known as c.2150C>T), located in coding exon 13 of the RAD50 gene, results from a C to T substitution at nucleotide position 2150. The serine at codon 717 is replaced by leucine, an amino acid with dissimilar properties. This amino acid position is conserved. In addition, this alteration is predicted to be tolerated by in silico analysis. Since supporting evidence is limited at this time, the clinical significance of this alteration remains unclear.